The following is an entry in ClinVar:

NM_017763.6(RNF43):c.247A>G (p.Met83Val)

Gene: RNF43 (ring finger protein 43; minus strand). Cytogenetic location: 17q22.
Variant type: single nucleotide variant.
Coding change: c.247A>G on transcript NM_017763.6 (MANE Select); coding-DNA position 247, A replaced by G.
Protein change: p.Met83Val; replaces methionine 83 with valine.
Molecular consequence: missense variant.
Genome position (GRCh38, 1-based): chr17:58,415,331, T>C on the plus strand (A>G on the coding strand, the complement: RNF43 is on the minus strand). VCF-style: chr17-58415331-T-C. GRCh37 (hg19) VCF-style: chr17-56492692-T-C.
Other names: c.247A>G (NM_017763.4); c.247A>G, p.Met83Val (NM_001305544.3); short protein forms M83V.
Identifiers: ClinVar variation 1386744 (VCV001386744.12), dbSNP rs200961924, ClinGen allele CA8673495.

ClinVar aggregate classification (germline): Uncertain significance. Review status: criteria provided, multiple submitters, no conflicts (2 of 4 stars). 4 submissions from 4 submitters: Uncertain significance (4). Last evaluated 2025-12-29.

Conditions:
Sessile serrated polyposis cancer syndrome (SSPCS). Identifiers: Orphanet 157798, MedGen C4310714, MONDO:0014919, OMIM 617108.

Allele frequency attached by ClinVar (database versions not stated): TOPMed below 0.00001; gnomAD exomes 0.00001 and 0.00002; ExAC 0.00003.
gnomAD v4.1: 15 of 1,614,188 alleles (0.00093%); highest among the groups gnomAD compares: African/African-American, 0.011%; no homozygotes.

Submissions (4):

Center for Genomic Medicine, Rigshospitalet, Copenhagen University Hospital
Classification: Uncertain significance. Last evaluated: 2025-12-29. Review status: criteria provided, single submitter. Criteria: ACMG Guidelines, 2015. Collection method: clinical testing. Allele origin: germline.
Comment: Classification criteria: BP4

Ambry Genetics
Classification: Uncertain significance. Last evaluated: 2025-11-20. Review status: criteria provided, single submitter. Criteria: Ambry Variant Classification Scheme 2023. Collection method: clinical testing. Allele origin: germline.

Labcorp Genetics (formerly Invitae), Labcorp
Classification: Uncertain significance. Last evaluated: 2024-03-21. Review status: criteria provided, single submitter. Criteria: Invitae Variant Classification Sherloc (09022015). Collection method: clinical testing. Allele origin: germline.
Comment: This sequence change replaces methionine, which is neutral and non-polar, with valine, which is neutral and non-polar, at codon 83 of the RNF43 protein (p.Met83Val). This variant is present in population databases (rs200961924, gnomAD 0.002%). This variant has not been reported in the literature in individuals affected with RNF43-related conditions. ClinVar contains an entry for this variant (Variation ID: 1386744). An algorithm developed to predict the effect of missense changes on protein structure and function (PolyPhen-2) suggests that this variant is likely to be tolerated. In summary, the available evidence is currently insufficient to determine the role of this variant in disease. Therefore, it has been classified as a Variant of Uncertain Significance.

Baylor Genetics
Classification: Uncertain significance for Sessile serrated polyposis cancer syndrome. Last evaluated: 2024-03-19. Review status: criteria provided, single submitter. Criteria: ACMG Guidelines, 2015. Collection method: clinical testing. Allele origin: unknown.